The following is an entry in ClinVar:

ClinVar aggregate classification (germline): Likely benign (1 of 4 stars; one submission).

Submission:

CeGaT Center for Human Genetics Tuebingen
Classification: Likely benign. Last evaluated: 2024-02-01. Review status: criteria provided, single submitter. Criteria: CeGaT Center For Human Genetics Tuebingen Variant Classification Criteria Version 2. Collection method: clinical testing. Allele origin: germline. Affected: yes. Observed: 1 variant allele.
Comment: DPP6: BP4, BP7

NM_130797.4(DPP6):c.183C>T (p.Gly61=)

Gene: DPP6 (dipeptidyl peptidase like 6; plus strand). Cytogenetic location: 7q36.2.
Variant type: single nucleotide variant.
Coding change: c.183C>T on transcript NM_130797.4 (MANE Select); coding-DNA position 183, C replaced by T.
Protein change: p.Gly61=; no amino-acid change (glycine 61 retained).
Molecular consequence: synonymous variant. On other transcripts: intron variant (6).
Genome position (GRCh38, 1-based): chr7:154,053,003, C>T. VCF-style: chr7-154053003-C-T. GRCh37 (hg19) VCF-style: chr7-153750088-C-T.
Other names: c.183C>T, p.Gly61= (NM_001290253.2); c.60+303995C>T (NM_001364500.2, NM_001364499.2, NM_001364497.2 and 1 more transcripts); c.51+165269C>T (NM_001364501.2, NM_001039350.3).
Identifiers: ClinVar variation 3025925 (VCV003025925.22), dbSNP rs1377059145, ClinGen allele CA458822616.